The following is an entry in ClinVar:

ClinVar aggregate classification (germline): Conflicting classifications of pathogenicity. Review status: criteria provided, conflicting classifications (1 of 4 stars). 4 submissions from 4 submitters: Pathogenic (1); Uncertain significance (3). Last evaluated 2026-10-15.

Conditions:
GLRA1-related disorder. Also called: GLRA1-related condition.
Hereditary hyperekplexia. Identifiers: Orphanet 3197, MedGen C4084968, MONDO:0021022.
Hyperekplexia 1 (STHE). Also called: HYPEREKPLEXIA 1, AUTOSOMAL DOMINANT; HYPEREKPLEXIA 1, AUTOSOMAL RECESSIVE; EXAGGERATED STARTLE REACTION; STARTLE DISEASE, FAMILIAL; STIFF-BABY SYNDROME; STIFF-MAN SYNDROME, CONGENITAL. Identifiers: Orphanet 3197, MedGen C4551954, MONDO:0007868, OMIM 149400.

Allele frequency attached by ClinVar (database versions not stated): ExAC 0.00012; ESP Exome Variant Server 0.00015; gnomAD exomes 0.00016; gnomAD 0.00019; 1000 Genomes Project 0.00020; TOPMed 0.00018; 1000 Genomes Project 30x 0.00031.
gnomAD v4.1: 538 of 1,612,940 alleles (0.033%); highest among the groups gnomAD compares: Non-Finnish European, 0.044%; no homozygotes.

Submissions (4):

GeneDx
Classification: Uncertain significance. Last evaluated: 2026-10-15. Review status: criteria provided, single submitter. Criteria: GeneDx Variant Classification Process June 2021. Collection method: clinical testing. Allele origin: germline.
Comment: Reported in an individual with hyperekplexia who inherited the variant from their unaffected father and harbored an additional GLRA1 variant in trans; the additional variant was inherited from a similarly affected mother (PMID: 30182260); In silico analysis supports that this missense variant has a deleterious effect on protein structure/function; This variant is associated with the following publications: (PMID: 30182260)

Labcorp Genetics (formerly Invitae), Labcorp
Classification: Pathogenic for Hereditary hyperekplexia. Last evaluated: 2026-01-24. Review status: criteria provided, single submitter. Criteria: Invitae Variant Classification Sherloc (09022015). Collection method: clinical testing. Allele origin: germline.
Comment: This sequence change replaces valine, which is neutral and non-polar, with methionine, which is neutral and non-polar, at codon 67 of the GLRA1 protein (p.Val67Met). This variant is present in population databases (rs142888296, gnomAD 0.03%). This missense change has been observed in individual(s) with clinical features of autosomal recessive hyperekplexia (PMID: 30182260; internal data). In at least one individual the data is consistent with being in trans (on the opposite chromosome) from a pathogenic variant. ClinVar contains an entry for this variant (Variation ID: 575744). Invitae Evidence Modeling of protein sequence and biophysical properties (such as structural, functional, and spatial information, amino acid conservation, physicochemical variation, residue mobility, and thermodynamic stability) indicates that this missense variant is expected to disrupt GLRA1 protein function with a positive predictive value of 80%. For these reasons, this variant has been classified as Pathogenic.

PreventionGenetics, part of Exact Sciences
Classification: Uncertain significance for GLRA1-related condition. Last evaluated: 2024-10-15. Review status: criteria provided, single submitter. Criteria: ACMG Guidelines, 2015. Collection method: clinical testing. Allele origin: germline.
Comment: The GLRA1 c.199G>A variant is predicted to result in the amino acid substitution p.Val67Met. The father who carried this variant was unaffected and the mother carrying the second GLRA1 variant (loss of function) was affected by hyperekplexia with a less severe phenotype, suggesting that p.Val67Met may act as a hypomorphic allele only enhancing the phenotype (Milenkovic et al. 2018. PubMed ID: 30182260). This variant is reported in 0.029% of alleles in individuals of European (Non-Finnish) descent in gnomAD. Although we suspect this variant may be pathogenic, at this time, the clinical significance of this variant is uncertain due to the absence of conclusive functional and genetic evidence.

ARUP Laboratories, Molecular Genetics and Genomics, ARUP Laboratories
Classification: Uncertain significance for Hyperekplexia 1. Review status: criteria provided, single submitter. Criteria: ARUP Molecular Germline Variant Investigation Process 2024. Collection method: clinical testing. Allele origin: germline.

Literature cited by the submitters: PubMed 30182260 (cited by Labcorp Genetics (formerly Invitae), Labcorp).

NM_000171.4(GLRA1):c.199G>A (p.Val67Met)

Gene: GLRA1 (glycine receptor alpha 1; minus strand). Cytogenetic location: 5q33.1.
Variant type: single nucleotide variant.
Coding change: c.199G>A on transcript NM_000171.4 (MANE Select); coding-DNA position 199, G replaced by A.
Protein change: p.Val67Met; replaces valine 67 with methionine.
Molecular consequence: missense variant. On other transcripts: 5 prime UTR variant (1).
Genome position (GRCh38, 1-based): chr5:151,886,774, C>T on the plus strand (G>A on the coding strand, the complement: GLRA1 is on the minus strand). VCF-style: chr5-151886774-C-T. GRCh37 (hg19) VCF-style: chr5-151266335-C-T.
Other names: c.199G>A, p.Val67Met (NM_001146040.2); c.-51G>A (NM_001292000.2); short protein forms V67M.
Identifiers: ClinVar variation 575744 (VCV000575744.16), dbSNP rs142888296, ClinGen allele CA3523743.